The following is an entry in ClinVar:

NM_014141.6(CNTNAP2):c.1165C>T (p.Arg389Trp)

Gene: CNTNAP2 (contactin associated protein 2; plus strand). Cytogenetic location: 7q35.
Variant type: single nucleotide variant.
Coding change: c.1165C>T on transcript NM_014141.6 (MANE Select); coding-DNA position 1165, C replaced by T.
Protein change: p.Arg389Trp; replaces arginine 389 with tryptophan.
Molecular consequence: missense variant.
Genome position (GRCh38, 1-based): chr7:147,132,326, C>T. VCF-style: chr7-147132326-C-T. GRCh37 (hg19) VCF-style: chr7-146829418-C-T.
Other names: p.R389W:CGG>TGG; short protein forms R389W.
Identifiers: ClinVar variation 198854 (VCV000198854.16), dbSNP rs375172684, ClinGen allele CA247702.

ClinVar aggregate classification (germline): Uncertain significance. Review status: criteria provided, multiple submitters, no conflicts (2 of 4 stars). 6 submissions from 6 submitters: Uncertain significance (6). Last evaluated 2026-06-22.

Conditions:
Inborn genetic diseases. Identifiers: MedGen C0950123, MeSH D030342.
Cortical dysplasia-focal epilepsy syndrome (PTHSL1). Also called: Pitt-Hopkins-like syndrome 1. Identifiers: Orphanet 163681, Orphanet 221150, MedGen C2750246, MONDO:0012400, OMIM 610042.

Allele frequency attached by ClinVar (database versions not stated): 1000 Genomes Project 0.00020; gnomAD 0.00016; ExAC 0.00017; 1000 Genomes Project 30x 0.00031; TOPMed 0.00014; ESP Exome Variant Server 0.00015.
gnomAD v4.1: 126 of 1,613,710 alleles (0.0078%); highest among the groups gnomAD compares: East Asian, 0.025%; 1 homozygote.

Submissions (6):

Ambry Genetics
Classification: Uncertain significance for Inborn genetic diseases. Last evaluated: 2026-06-22. Review status: criteria provided, single submitter. Criteria: Ambry Variant Classification Scheme 2023. Collection method: clinical testing. Allele origin: germline.
Comment: The c.1165C>T (p.R389W) alteration is located in exon 8 (coding exon 8) of the CNTNAP2 gene. This alteration results from a C to T substitution at nucleotide position 1165, causing the arginine (R) at amino acid position 389 to be replaced by a tryptophan (W). Based on data from gnomAD, the T allele has an overall frequency of 0.011% (30/282554) total alleles studied. The highest observed frequency was 0.042% (3/7212) of Other alleles. This amino acid position is well conserved in available vertebrate species. The in silico prediction for this alteration is inconclusive. Based on insufficient or conflicting evidence, the clinical significance of this alteration remains unclear.

Blueprint Genetics
Classification: Uncertain significance. Last evaluated: 2024-10-09. Review status: criteria provided, single submitter. Criteria: ACMG Guidelines, 2015. Collection method: clinical testing. Allele origin: germline.

GeneDx
Classification: Uncertain significance. Last evaluated: 2024-02-23. Review status: criteria provided, single submitter. Criteria: GeneDx Variant Classification Process June 2021. Collection method: clinical testing. Allele origin: germline. Affected: yes.
Comment: In silico analysis, which includes protein predictors and evolutionary conservation, supports that this variant does not alter protein structure/function; Has not been previously published as pathogenic or benign to our knowledge

Labcorp Genetics (formerly Invitae), Labcorp
Classification: Uncertain significance for Cortical dysplasia-focal epilepsy syndrome. Last evaluated: 2022-08-21. Review status: criteria provided, single submitter. Criteria: Invitae Variant Classification Sherloc (09022015). Collection method: clinical testing. Allele origin: germline.
Comment: This sequence change replaces arginine, which is basic and polar, with tryptophan, which is neutral and slightly polar, at codon 389 of the CNTNAP2 protein (p.Arg389Trp). This variant is present in population databases (rs375172684, gnomAD 0.02%). This variant has not been reported in the literature in individuals affected with CNTNAP2-related conditions. ClinVar contains an entry for this variant (Variation ID: 198854). Algorithms developed to predict the effect of missense changes on protein structure and function are either unavailable or do not agree on the potential impact of this missense change (SIFT: "Deleterious"; PolyPhen-2: "Possibly Damaging"; Align-GVGD: "Class C0"). In summary, the available evidence is currently insufficient to determine the role of this variant in disease. Therefore, it has been classified as a Variant of Uncertain Significance.

Eurofins Ntd Llc (ga)
Classification: Uncertain significance. Last evaluated: 2018-04-05. Review status: criteria provided, single submitter. Criteria: EGL ClinVar v180209 classification definitions. Collection method: clinical testing. Allele origin: germline. Observed: 2 variant alleles, 2 heterozygotes.

Baylor Genetics
Classification: Uncertain significance for Cortical dysplasia-focal epilepsy syndrome. Last evaluated: 2018-03-14. Review status: criteria provided, single submitter. Criteria: ACMG Guidelines, 2015. Collection method: clinical testing. Allele origin: paternal. Affected: yes.
Comment: This variant was determined to be of uncertain significance according to ACMG Guidelines, 2015 [PMID:25741868].

Literature cited by the submitters: PubMed 28106320 (cited by Ambry Genetics).